The following is an entry in ClinVar:

NM_000070.3(CAPN3):c.946-157C>G

Gene: CAPN3 (calpain 3; plus strand). Cytogenetic location: 15q15.1.
Variant type: single nucleotide variant.
Coding change: c.946-157C>G on transcript NM_000070.3 (MANE Select); 157 bases into the intron before coding-DNA position 946, C replaced by G.
Molecular consequence: intron variant.
Genome position (GRCh38, 1-based): chr15:42,392,482, C>G. VCF-style: chr15-42392482-C-G. GRCh37 (hg19) VCF-style: chr15-42684680-C-G.
Other names: c.946-157C>G (NM_024344.2); c.802-157C>G (NM_173087.2).
Identifiers: ClinVar variation 678272 (VCV000678272.2), dbSNP rs12324205, ClinGen allele CA14155833.

ClinVar aggregate classification (germline): Benign. Review status: criteria provided, multiple submitters, no conflicts (2 of 4 stars). 2 submissions from 2 submitters: Benign (2). Last evaluated 2018-06-18.

Allele frequency attached by ClinVar (database versions not stated): gnomAD 0.13784 and 0.14423; TOPMed 0.14920; 1000 Genomes Project 0.16354; 1000 Genomes Project 30x 0.17192.
gnomAD v4.1: 20,787 of 152,200 alleles (14%); highest among the groups gnomAD compares: African/African-American, 40%; 3,520 homozygotes.

Submissions (2):

GeneDx
Classification: Benign. Last evaluated: 2018-06-18. Review status: criteria provided, single submitter. Criteria: GeneDx Variant Classification (06012015). Collection method: clinical testing. Allele origin: germline. Affected: yes.
Comment: This variant is considered likely benign or benign based on one or more of the following criteria: it is a conservative change, it occurs at a poorly conserved position in the protein, it is predicted to be benign by multiple in silico algorithms, and/or has population frequency not consistent with disease.

Breakthrough Genomics
Classification: Benign. Review status: criteria provided, single submitter. Criteria: ACMG Guidelines, 2015. Collection method: not provided. Allele origin: germline. Inheritance: Autosomal recessive inheritance. Affected: yes.